The following is an entry in ClinVar:

NM_001257180.2(SLC20A2):c.737T>C (p.Leu246Ser)

Gene: SLC20A2 (solute carrier family 20 member 2; minus strand). Cytogenetic location: 8p11.21.
Variant type: single nucleotide variant.
Coding change: c.737T>C on transcript NM_001257180.2 (MANE Select); coding-DNA position 737, T replaced by C.
Protein change: p.Leu246Ser; replaces leucine 246 with serine.
Molecular consequence: missense variant.
Genome position (GRCh38, 1-based): chr8:42,439,647, A>G on the plus strand (T>C on the coding strand, the complement: SLC20A2 is on the minus strand). VCF-style: chr8-42439647-A-G. GRCh37 (hg19) VCF-style: chr8-42297165-A-G.
Other names: c.737T>C, p.Leu246Ser (NM_001257181.2, NM_006749.5); short protein forms L246S.
Identifiers: ClinVar variation 4698145 (VCV004698145.1).
Genomic context (GRCh38, chr8:42,439,647, plus strand): 5'-GCTTCCTGAACCTTACTGAGGCTTTCGTCAGATACTCGTGATAAAGCACCTTCTTTTTGT[A>G]ATTTGCCTAAAGAAAACAAAGTCATACTGAACATTCTGGAAGAGAGTTCTTATTATTGAA-3'
Protein context (NP_001244109.1, residues 236-256): PWMRRKITGK[Leu246Ser]QKEGALSRVS

ClinVar aggregate classification (germline): Uncertain significance (1 of 4 stars; one submission).

gnomAD v4.1: 2 of 1,613,286 alleles (0.00012%); highest among the groups gnomAD compares: Admixed American, 0.0033%; no homozygotes.

Submission:

Labcorp Genetics (formerly Invitae), Labcorp
Classification: Uncertain significance. Last evaluated: 2025-12-13. Review status: criteria provided, single submitter. Criteria: Invitae Variant Classification Sherloc (09022015). Collection method: clinical testing. Allele origin: germline.
Comment: This sequence change replaces leucine, which is neutral and non-polar, with serine, which is neutral and polar, at codon 246 of the SLC20A2 protein (p.Leu246Ser). This variant is present in population databases (rs753213016, gnomAD 0.006%). This variant has not been reported in the literature in individuals affected with SLC20A2-related conditions. Invitae Evidence Modeling of protein sequence and biophysical properties (such as structural, functional, and spatial information, amino acid conservation, physicochemical variation, residue mobility, and thermodynamic stability) indicates that this missense variant is not expected to disrupt SLC20A2 protein function with a negative predictive value of 95%. In summary, the available evidence is currently insufficient to determine the role of this variant in disease. Therefore, it has been classified as a Variant of Uncertain Significance.